The following is an entry in ClinVar:

NM_001985.3(ETFB):c.343_345del (p.Glu115del)

Gene: ETFB (electron transfer flavoprotein subunit beta; minus strand). Cytogenetic location: 19q13.41.
Variant type: Deletion.
Coding change: c.343_345del on transcript NM_001985.3 (MANE Select); coding-DNA positions 343 to 345, 3 bases deleted (GAG; older notation c.343_345delGAG).
Protein change: p.Glu115del; deletes glutamic acid 115.
Molecular consequence: inframe deletion.
Genome position (GRCh38, 1-based): chr19:51,353,162-51,353,164, CTC deleted on the plus strand (GAG on the coding strand, the reverse complement: ETFB is on the minus strand); deleting any 3 consecutive bases within chr19:51,353,162-51,353,166 gives the same sequence; the c. name uses the placement nearest the transcript's 3' end. VCF-style (leftmost placement, unchanged base first): chr19-51353161-TCTC-T. GRCh37 (hg19) VCF-style: chr19-51856415-TCTC-T.
Other names: p.Glu115del; c.616_618del, p.Glu206del (NM_001014763.1); short protein forms E115del, E206del.
Identifiers: ClinVar variation 2169618 (VCV002169618.3), dbSNP rs777551226, ClinGen allele CA9610795.

ClinVar aggregate classification (germline): Uncertain significance. Review status: criteria provided, multiple submitters, no conflicts (2 of 4 stars). 2 submissions from 2 submitters: Uncertain significance (2). Last evaluated 2024-02-20.

Conditions:
Multiple acyl-CoA dehydrogenase deficiency (MADD). Also called: Glutaric aciduria, type 2; Glutaric acidemia type II; GA 2; Glutaric Acidemia type 2; ETHYLMALONIC-ADIPICACIDURIA; GA II. Identifiers: Orphanet 26791, MedGen C0268596, MONDO:0009282, OMIM 231680.

Submissions (2):

Mayo Clinic Laboratories, Mayo Clinic
Classification: Uncertain significance. Last evaluated: 2024-02-20. Review status: criteria provided, single submitter. Criteria: ACMG Guidelines, 2015. Collection method: clinical testing. Allele origin: germline. Observed: 1 variant allele.
Comment: PP4, PM2_moderate, PM4

Labcorp Genetics (formerly Invitae), Labcorp
Classification: Uncertain significance for Multiple acyl-CoA dehydrogenase deficiency. Last evaluated: 2022-05-09. Review status: criteria provided, single submitter. Criteria: Invitae Variant Classification Sherloc (09022015). Collection method: clinical testing. Allele origin: germline.
Comment: This variant, c.343_345del, results in the deletion of 1 amino acid(s) of the ETFB protein (p.Glu115del), but otherwise preserves the integrity of the reading frame. This variant is present in population databases (rs777551226, gnomAD 0.005%). This variant has been observed in individual(s) with multiple Acyl-CoA dehydrogenase deficiency (PMID: 30626930). Experimental studies and prediction algorithms are not available or were not evaluated, and the functional significance of this variant is currently unknown. In summary, the available evidence is currently insufficient to determine the role of this variant in disease. Therefore, it has been classified as a Variant of Uncertain Significance.

Literature cited by the submitters: PubMed 30626930 (cited by Mayo Clinic Laboratories, Mayo Clinic and Labcorp Genetics (formerly Invitae), Labcorp); PubMed 35281663 (cited by Mayo Clinic Laboratories, Mayo Clinic).